The following is an entry in ClinVar:

ClinVar aggregate classification (germline): Uncertain significance. Review status: criteria provided, multiple submitters, no conflicts (2 of 4 stars). 2 submissions from 2 submitters: Uncertain significance (2). Last evaluated 2022-08-07.

Conditions:
Hereditary cancer-predisposing syndrome. Also called: Neoplastic Syndromes, Hereditary; Tumor predisposition; Hereditary Cancer Syndrome; Hereditary neoplastic syndrome. Identifiers: Orphanet 140162, MedGen C0027672, MeSH D009386, MONDO:0015356.

Submissions (2):

Labcorp Genetics (formerly Invitae), Labcorp
Classification: Uncertain significance for Hereditary cancer-predisposing syndrome. Last evaluated: 2022-08-07. Review status: criteria provided, single submitter. Criteria: Invitae Variant Classification Sherloc (09022015). Collection method: clinical testing. Allele origin: germline.
Comment: Algorithms developed to predict the effect of missense changes on protein structure and function (SIFT, PolyPhen-2, Align-GVGD) all suggest that this variant is likely to be tolerated. In summary, the available evidence is currently insufficient to determine the role of this variant in disease. Therefore, it has been classified as a Variant of Uncertain Significance. This variant has not been reported in the literature in individuals affected with RAD50-related conditions. This variant is not present in population databases (gnomAD no frequency). This sequence change replaces histidine, which is basic and polar, with aspartic acid, which is acidic and polar, at codon 955 of the RAD50 protein (p.His955Asp).

Ambry Genetics
Classification: Uncertain significance for Hereditary cancer-predisposing syndrome. Last evaluated: 2022-08-02. Review status: criteria provided, single submitter. Criteria: Ambry Variant Classification Scheme 2023. Collection method: clinical testing. Allele origin: germline.
Comment: The p.H955D variant (also known as c.2863C>G), located in coding exon 18 of the RAD50 gene, results from a C to G substitution at nucleotide position 2863. The histidine at codon 955 is replaced by aspartic acid, an amino acid with similar properties. This amino acid position is conserved. In addition, this alteration is predicted to be tolerated by in silico analysis. Since supporting evidence is limited at this time, the clinical significance of this alteration remains unclear.

NM_005732.4(RAD50):c.2863C>G (p.His955Asp)

Gene: RAD50 (RAD50 double strand break repair protein; plus strand). Cytogenetic location: 5q31.1.
Variant type: single nucleotide variant.
Coding change: c.2863C>G on transcript NM_005732.4 (MANE Select); coding-DNA position 2863, C replaced by G.
Protein change: p.His955Asp; replaces histidine 955 with aspartic acid.
Molecular consequence: missense variant.
Genome position (GRCh38, 1-based): chr5:132,609,150, C>G. VCF-style: chr5-132609150-C-G. GRCh37 (hg19) VCF-style: chr5-131944842-C-G.
Other names: short protein forms H955D.
Identifiers: ClinVar variation 1715564 (VCV001715564.8), dbSNP rs2479371024, ClinGen allele CA360959578.